The following is an entry in ClinVar:

ClinVar aggregate classification (germline): Uncertain significance (1 of 4 stars; one submission).

Submission:

Labcorp Genetics (formerly Invitae), Labcorp
Classification: Uncertain significance. Last evaluated: 2022-06-09. Review status: criteria provided, single submitter. Criteria: Invitae Variant Classification Sherloc (09022015). Collection method: clinical testing. Allele origin: germline.
Comment: In summary, the available evidence is currently insufficient to determine the role of this variant in disease. Therefore, it has been classified as a Variant of Uncertain Significance. Algorithms developed to predict the effect of sequence changes on RNA splicing suggest that this variant is not likely to affect RNA splicing. This variant has not been reported in the literature in individuals affected with TNFAIP3-related conditions. This variant is not present in population databases (gnomAD no frequency). This sequence change affects codon 268 of the TNFAIP3 mRNA. It is a 'silent' change, meaning that it does not change the encoded amino acid sequence of the TNFAIP3 protein. It affects a nucleotide within the consensus splice site.

NM_001270508.2(TNFAIP3):c.804T>C (p.Pro268=)

Genes: TNFAIP3 (TNF alpha induced protein 3; plus strand), LOC126859807 (MED14-independent group 3 enhancer GRCh37_chr6:138196296-138197495; plus strand). Cytogenetic location: 6q23.3.
Variant type: single nucleotide variant.
Coding change: c.804T>C on transcript NM_001270508.2 (MANE Select); coding-DNA position 804, T replaced by C.
Protein change: p.Pro268=; no amino-acid change (proline 268 retained).
Molecular consequence: synonymous variant.
Genome position (GRCh38, 1-based): chr6:137,876,165, T>C. VCF-style: chr6-137876165-T-C. GRCh37 (hg19) VCF-style: chr6-138197302-T-C.
Other names: c.804T>C, p.Pro268= (NM_001270507.2, NM_006290.4).
Identifiers: ClinVar variation 2004116 (VCV002004116.4), dbSNP rs2482737072, ClinGen allele CA452240854.